The following is an entry in ClinVar:

NM_000088.4(COL1A1):c.1354-52G>C

Gene: COL1A1 (collagen type I alpha 1 chain; minus strand). Cytogenetic location: 17q21.33.
Variant type: single nucleotide variant.
Coding change: c.1354-52G>C on transcript NM_000088.4 (MANE Select); 52 bases into the intron before coding-DNA position 1354, G replaced by C.
Molecular consequence: intron variant.
Genome position (GRCh38, 1-based): chr17:50,194,880, C>G on the plus strand (G>C on the coding strand, the complement: COL1A1 is on the minus strand). VCF-style: chr17-50194880-C-G. GRCh37 (hg19) VCF-style: chr17-48272241-C-G.
Identifiers: ClinVar variation 679878 (VCV000679878.1), dbSNP rs41317365, ClinGen allele CA8645278.

ClinVar aggregate classification (germline): Likely benign (1 of 4 stars; one submission).

Allele frequency attached by ClinVar (database versions not stated): 1000 Genomes Project 0.00300; 1000 Genomes Project 30x 0.00312; ESP Exome Variant Server 0.00379; gnomAD exomes 0.00851 and 0.01239; TOPMed 0.00863; gnomAD 0.00894 and 0.00912; ExAC 0.01538.
gnomAD v4.1: 18,720 of 1,555,382 alleles (1.2%); highest among the groups gnomAD compares: Non-Finnish European, 1.4%; 157 homozygotes.

Submission:

GeneDx
Classification: Likely benign. Last evaluated: 2018-06-19. Review status: criteria provided, single submitter. Criteria: GeneDx Variant Classification (06012015). Collection method: clinical testing. Allele origin: germline. Affected: yes.
Comment: This variant is considered likely benign or benign based on one or more of the following criteria: it is a conservative change, it occurs at a poorly conserved position in the protein, it is predicted to be benign by multiple in silico algorithms, and/or has population frequency not consistent with disease.